The following is an entry in ClinVar:

ClinVar aggregate classification (germline): Uncertain significance (1 of 4 stars; one submission).

Conditions:
Hereditary cancer-predisposing syndrome. Also called: Hereditary Cancer Syndrome; Hereditary neoplastic syndrome; Neoplastic Syndromes, Hereditary; Tumor predisposition. Identifiers: Orphanet 140162, MedGen C0027672, MeSH D009386, MONDO:0015356.

gnomAD v4.1: 1 of 1,614,150 alleles (0.000062%); highest among the groups gnomAD compares: East Asian, 0.0022%; no homozygotes.

Submission:

Ambry Genetics
Classification: Uncertain significance for Hereditary cancer-predisposing syndrome. Last evaluated: 2025-03-19. Review status: criteria provided, single submitter. Criteria: Ambry Variant Classification Scheme 2023. Collection method: clinical testing. Allele origin: germline.
Comment: The p.K86I variant (also known as c.257A>T), located in coding exon 3 of the APC gene, results from an A to T substitution at nucleotide position 257. The lysine at codon 86 is replaced by isoleucine, an amino acid with dissimilar properties. This amino acid position is highly conserved in available vertebrate species. In addition, in silico predictors for this gene do not accurately predict pathogenicity. Based on the available evidence, the clinical significance of this variant remains unclear.

NM_000038.6(APC):c.257A>T (p.Lys86Ile)

Gene: APC (APC regulator of Wnt signaling pathway; plus strand). Cytogenetic location: 5q22.2.
Variant type: single nucleotide variant.
Coding change: c.257A>T on transcript NM_000038.6 (MANE Select); coding-DNA position 257, A replaced by T.
Protein change: p.Lys86Ile; replaces lysine 86 with isoleucine.
Molecular consequence: missense variant. On other transcripts: 5 prime UTR variant (4), non-coding transcript variant (2).
Genome position (GRCh38, 1-based): chr5:112,767,225, A>T. VCF-style: chr5-112767225-A-T. GRCh37 (hg19) VCF-style: chr5-112102922-A-T.
Other names: c.257A>T, p.Lys86Ile (NM_001407449.1, NM_001127510.3, NM_001354895.2 and 16 more transcripts); c.287A>T, p.Lys96Ile (NM_001127511.3, NM_001354897.2, NM_001354902.2 and 1 more transcripts); c.182A>T, p.Lys61Ile (NM_001354898.2, NM_001354904.2, NM_001407451.1); c.80A>T, p.Lys27Ile (NM_001354900.2, NM_001354901.2, NM_001354905.2 and 1 more transcripts); c.-779A>T (NM_001354906.2, NM_001407470.1, NM_001407471.1 and 1 more transcripts); short protein forms K27I, K86I, K96I, K61I.
Identifiers: ClinVar variation 3927865 (VCV003927865.1).